The following is an entry in ClinVar:

ClinVar aggregate classification (germline): Likely benign. Review status: criteria provided, multiple submitters, no conflicts (2 of 4 stars). 3 submissions from 3 submitters: Likely benign (3). Last evaluated 2025-08-18.

Conditions:
Familial thoracic aortic aneurysm and aortic dissection (TAAD). Also called: Thoracic aortic aneurysms and dissections. Identifiers: Orphanet 91387, MedGen C4707243, MONDO:0019625.
Ehlers-Danlos syndrome, classic type, 1 (EDSCL1). Also called: EHLERS-DANLOS SYNDROME, GRAVIS TYPE; EHLERS-DANLOS SYNDROME, SEVERE CLASSIC TYPE; Ehlers-Danlos Syndrome, Classic Type, COL5A1-Related; EDS I; Ehlers-Danlos syndrome, type 1. Identifiers: MedGen C0268335, MONDO:0019567, OMIM 130000.

gnomAD v4.1: 17 of 1,614,196 alleles (0.0011%); highest among the groups gnomAD compares: East Asian, 0.0067%; no homozygotes.

Submissions (3):

Labcorp Genetics (formerly Invitae), Labcorp
Classification: Likely benign for Ehlers-Danlos syndrome, classic type, 1. Last evaluated: 2025-08-18. Review status: criteria provided, single submitter. Criteria: Invitae Variant Classification Sherloc (09022015). Collection method: clinical testing. Allele origin: germline.

Ambry Genetics
Classification: Likely benign for Familial thoracic aortic aneurysm and aortic dissection. Last evaluated: 2019-06-30. Review status: criteria provided, single submitter. Criteria: Ambry Variant Classification Scheme 2023. Collection method: clinical testing. Allele origin: germline.

GeneDx
Classification: Likely benign. Last evaluated: 2015-12-03. Review status: criteria provided, single submitter. Criteria: GeneDx Variant Classification (06012015). Collection method: clinical testing. Allele origin: germline. Affected: yes.
Comment: This variant is considered likely benign or benign based on one or more of the following criteria: it is a conservative change, it occurs at a poorly conserved position in the protein, it is predicted to be benign by multiple in silico algorithms, and/or has population frequency not consistent with disease.

NM_000093.5(COL5A1):c.5469G>A (p.Ala1823=)

Genes: COL5A1 (collagen type V alpha 1 chain; plus strand), LOC101448202 (uncharacterized LOC101448202; minus strand). Cytogenetic location: 9q34.3.
Variant type: single nucleotide variant.
Coding change: c.5469G>A on transcript NM_000093.5 (MANE Select); coding-DNA position 5469, G replaced by A.
Protein change: p.Ala1823=; no amino-acid change (alanine 1823 retained).
Molecular consequence: synonymous variant.
Genome position (GRCh38, 1-based): chr9:134,842,255, G>A. VCF-style: chr9-134842255-G-A. GRCh37 (hg19) VCF-style: chr9-137734101-G-A.
Other names: c.5469G>A, p.Ala1823= (NM_001278074.1).
Identifiers: ClinVar variation 382169 (VCV000382169.13), dbSNP rs367657505, ClinGen allele CA5320755.